The following is an entry in ClinVar:

NM_000352.6(ABCC8):c.298G>T (p.Glu100Ter)

Gene: ABCC8 (ATP binding cassette subfamily C member 8; minus strand). Cytogenetic location: 11p15.1.
Variant type: single nucleotide variant.
Coding change: c.298G>T on transcript NM_000352.6 (MANE Select); coding-DNA position 298, G replaced by T.
Protein change: p.Glu100Ter; replaces glutamic acid 100 with a stop codon.
Molecular consequence: nonsense. On other transcripts: non-coding transcript variant (1).
Genome position (GRCh38, 1-based): chr11:17,470,215, C>A on the plus strand (G>T on the coding strand, the complement: ABCC8 is on the minus strand). VCF-style: chr11-17470215-C-A. GRCh37 (hg19) VCF-style: chr11-17491762-C-A.
Other names: c.298G>T, p.Glu100Ter (NM_001287174.3, NM_001351295.2, NM_001351296.2 and 1 more transcripts); short protein forms E100*.
Identifiers: ClinVar variation 2735554 (VCV002735554.4), dbSNP rs200687571, ClinGen allele CA379784991.
Genomic context (GRCh38, chr11:17,470,215, plus strand): 5'-AGGTGACAGCAGCCATGAACGCCATCCCGGCTGGCATGTACAGGTGCAGATGGTGGGATT[C>A]GGTCACCCTGAGATGGGAGAGAGAAACAGACAGGATGGGGACATGCTAAGTACTGCAATA-3'

ClinVar aggregate classification (germline): Pathogenic. Review status: criteria provided, multiple submitters, no conflicts (2 of 4 stars). 2 submissions from 2 submitters: Pathogenic (2). Last evaluated 2023-11-22.

Conditions:
Type 2 diabetes mellitus. Also called: Type II diabetes mellitus. Identifiers: MedGen C0011860, MeSH D003924, MONDO:0005148, OMIM 125853, HP:0005978.

gnomAD v4.1: 1 of 1,614,058 alleles (0.000062%); highest among the groups gnomAD compares: East Asian, 0.0022%; no homozygotes.

Submissions (2):

Baylor Genetics
Classification: Pathogenic for Type 2 diabetes mellitus. Last evaluated: 2023-11-22. Review status: criteria provided, single submitter. Criteria: ACMG Guidelines, 2015. Collection method: clinical testing. Allele origin: unknown.

Labcorp Genetics (formerly Invitae), Labcorp
Classification: Pathogenic. Last evaluated: 2023-11-13. Review status: criteria provided, single submitter. Criteria: Invitae Variant Classification Sherloc (09022015). Collection method: clinical testing. Allele origin: germline.
Comment: This sequence change creates a premature translational stop signal (p.Glu100*) in the ABCC8 gene. It is expected to result in an absent or disrupted protein product. Loss-of-function variants in ABCC8 are known to be pathogenic (PMID: 20685672, 23345197). This variant is not present in population databases (gnomAD no frequency). This premature translational stop signal has been observed in individual(s) with congenital hyperinsulinism (PMID: 21422196). For these reasons, this variant has been classified as Pathogenic.

Literature cited by the submitters: PubMed 20685672 (cited by Labcorp Genetics (formerly Invitae), Labcorp); PubMed 23345197 (cited by Labcorp Genetics (formerly Invitae), Labcorp); PubMed 21422196 (cited by Labcorp Genetics (formerly Invitae), Labcorp).